The following is an entry in ClinVar:

ClinVar aggregate classification (germline): Uncertain significance. Review status: criteria provided, multiple submitters, no conflicts (2 of 4 stars). 2 submissions from 2 submitters: Uncertain significance (2). Last evaluated 2022-05-21.

Conditions:
Hereditary cancer-predisposing syndrome. Also called: Hereditary Cancer Syndrome; Hereditary neoplastic syndrome; Tumor predisposition; Neoplastic Syndromes, Hereditary. Identifiers: Orphanet 140162, MedGen C0027672, MeSH D009386, MONDO:0015356.
Bloom syndrome (BLM). Also called: Bloom-Torre-Machacek syndrome. Identifiers: Orphanet 125, MedGen C0005859, MONDO:0008876, OMIM 210900.

Allele frequency attached by ClinVar (database versions not stated): gnomAD 0.00001; ExAC 0.00002.
gnomAD v4.1: 11 of 1,613,740 alleles (0.00068%); highest among the groups gnomAD compares: South Asian, 0.011%; no homozygotes.

Submissions (2):

Ambry Genetics
Classification: Uncertain significance for Hereditary cancer-predisposing syndrome. Last evaluated: 2022-05-21. Review status: criteria provided, single submitter. Criteria: Ambry Variant Classification Scheme 2023. Collection method: clinical testing. Allele origin: germline.
Comment: The p.A790T variant (also known as c.2368G>A), located in coding exon 10 of the BLM gene, results from a G to A substitution at nucleotide position 2368. The alanine at codon 790 is replaced by threonine, an amino acid with similar properties. This amino acid position is conserved. In addition, this alteration is predicted to be tolerated by in silico analysis. Since supporting evidence is limited at this time, the clinical significance of this alteration remains unclear.

Labcorp Genetics (formerly Invitae), Labcorp
Classification: Uncertain significance for Bloom syndrome. Last evaluated: 2021-12-23. Review status: criteria provided, single submitter. Criteria: Invitae Variant Classification Sherloc (09022015). Collection method: clinical testing. Allele origin: germline.
Comment: This sequence change replaces alanine, which is neutral and non-polar, with threonine, which is neutral and polar, at codon 790 of the BLM protein (p.Ala790Thr). This variant is present in population databases (rs777355959, gnomAD 0.02%). This variant has not been reported in the literature in individuals affected with BLM-related conditions. Algorithms developed to predict the effect of missense changes on protein structure and function are either unavailable or do not agree on the potential impact of this missense change (SIFT: "Deleterious"; PolyPhen-2: "Possibly Damaging"; Align-GVGD: "Class C0"). In summary, the available evidence is currently insufficient to determine the role of this variant in disease. Therefore, it has been classified as a Variant of Uncertain Significance.

NM_000057.4(BLM):c.2368G>A (p.Ala790Thr)

Gene: BLM (BLM RecQ like helicase; plus strand). Cytogenetic location: 15q26.1.
Variant type: single nucleotide variant.
Coding change: c.2368G>A on transcript NM_000057.4 (MANE Select); coding-DNA position 2368, G replaced by A.
Protein change: p.Ala790Thr; replaces alanine 790 with threonine.
Molecular consequence: missense variant.
Genome position (GRCh38, 1-based): chr15:90,769,193, G>A. VCF-style: chr15-90769193-G-A. GRCh37 (hg19) VCF-style: chr15-91312423-G-A.
Other names: c.2368G>A, p.Ala790Thr (NM_001287246.2, NM_001287247.2); c.1243G>A, p.Ala415Thr (NM_001287248.2); short protein forms A790T, A415T.
Identifiers: ClinVar variation 1790245 (VCV001790245.4), dbSNP rs777355959, ClinGen allele CA7738740.